The following is an entry in ClinVar:

NM_005609.4(PYGM):c.1379A>G (p.His460Arg)

Gene: PYGM (glycogen phosphorylase, muscle associated; minus strand). Cytogenetic location: 11q13.1.
Variant type: single nucleotide variant.
Coding change: c.1379A>G on transcript NM_005609.4 (MANE Select); coding-DNA position 1379, A replaced by G.
Protein change: p.His460Arg; replaces histidine 460 with arginine.
Molecular consequence: missense variant.
Genome position (GRCh38, 1-based): chr11:64,753,543, T>C on the plus strand (A>G on the coding strand, the complement: PYGM is on the minus strand). VCF-style: chr11-64753543-T-C. GRCh37 (hg19) VCF-style: chr11-64521015-T-C.
Other names: c.1115A>G, p.His372Arg (NM_001164716.1); short protein forms H460R, H372R.
Identifiers: ClinVar variation 1518551 (VCV001518551.6), dbSNP rs2135832903, ClinGen allele CA381175711.
Genomic context (GRCh38, chr11:64,753,543, plus strand): 5'-CCTAGAGAGGGGCGGGATCTGGAAAGCGGGGCTCACATGGTCTTCTTGAGGATCTCGGAG[T>C]GGATGCGCGCCACGCCGTTGACGGCGTGCGACCCCGCGATGCACAGGTGTGCCATGTTGA-3'
Protein context (NP_005600.1, residues 450-470): SHAVNGVARI[His460Arg]SEILKKTIFK

ClinVar aggregate classification (germline): Uncertain significance (1 of 4 stars; one submission).

Conditions:
Glycogen storage disease, type V (GSD5). Also called: McArdle type glycogen storage disease; MCARDLE DISEASE; MUSCLE GLYCOGEN PHOSPHORYLASE DEFICIENCY; MYOPHOSPHORYLASE DEFICIENCY; PYGM DEFICIENCY. Identifiers: Orphanet 368, MedGen C0017924, MONDO:0009293, OMIM 232600.

Submission:

Labcorp Genetics (formerly Invitae), Labcorp
Classification: Uncertain significance for Glycogen storage disease, type V. Last evaluated: 2021-03-23. Review status: criteria provided, single submitter. Criteria: Invitae Variant Classification Sherloc (09022015). Collection method: clinical testing. Allele origin: germline.
Comment: This sequence change replaces histidine with arginine at codon 460 of the PYGM protein (p.His460Arg). The histidine residue is highly conserved and there is a small physicochemical difference between histidine and arginine. This variant is not present in population databases (ExAC no frequency). This variant has not been reported in the literature in individuals with PYGM-related conditions. Algorithms developed to predict the effect of missense changes on protein structure and function are either unavailable or do not agree on the potential impact of this missense change (SIFT: "Not Available"; PolyPhen-2: "Probably Damaging"; Align-GVGD: "Not Available"). In summary, the available evidence is currently insufficient to determine the role of this variant in disease. Therefore, it has been classified as a Variant of Uncertain Significance.